The following is an entry in ClinVar:

NM_020338.4(ZMIZ1):c.2286+3G>C

Gene: ZMIZ1 (zinc finger MIZ-type containing 1; plus strand). Cytogenetic location: 10q22.3.
Variant type: single nucleotide variant.
Coding change: c.2286+3G>C on transcript NM_020338.4 (MANE Select); 3 bases into the intron after coding-DNA position 2286, G replaced by C.
Molecular consequence: intron variant.
Genome position (GRCh38, 1-based): chr10:79,304,178, G>C. VCF-style: chr10-79304178-G-C. GRCh37 (hg19) VCF-style: chr10-81063935-G-C.
Identifiers: ClinVar variation 1685221 (VCV001685221.6), dbSNP rs1244950516, ClinGen allele CA668773188.

ClinVar aggregate classification (germline): Uncertain significance. Review status: criteria provided, multiple submitters, no conflicts (2 of 4 stars). 3 submissions from 3 submitters: Uncertain significance (3). Last evaluated 2024-10-14.

Allele frequency attached by ClinVar (database versions not stated): gnomAD 0.00001; TOPMed below 0.00001.
gnomAD v4.1: 2 of 1,611,682 alleles (0.00012%); highest among the groups gnomAD compares: Non-Finnish European, 0.000085%; no homozygotes.

Submissions (3):

Dasa
Classification: Uncertain significance. Last evaluated: 2024-10-14. Review status: criteria provided, single submitter. Criteria: DASA Assertion Criteria. Collection method: clinical testing. Allele origin: germline.
Comment: NM_020338.4(ZMIZ1):c.2286+3G>C is a splice-region variant. This variant is rare in population databases. Computational prediction algorithms are consistent with a benign effect. The currently available literature and clinical evidence are not sufficient to establish a definitive association between this variant and the reported condition. Therefore, this variant is classified as a variant of uncertain significance.

Labcorp Genetics (formerly Invitae), Labcorp
Classification: Uncertain significance. Last evaluated: 2023-12-22. Review status: criteria provided, single submitter. Criteria: Invitae Variant Classification Sherloc (09022015). Collection method: clinical testing. Allele origin: germline.
Comment: This sequence change falls in intron 19 of the ZMIZ1 gene. It does not directly change the encoded amino acid sequence of the ZMIZ1 protein. It affects a nucleotide within the consensus splice site. This variant is not present in population databases (gnomAD no frequency). This variant has not been reported in the literature in individuals affected with ZMIZ1-related conditions. ClinVar contains an entry for this variant (Variation ID: 1685221). Variants that disrupt the consensus splice site are a relatively common cause of aberrant splicing (PMID: 17576681, 9536098). Algorithms developed to predict the effect of sequence changes on RNA splicing suggest that this variant is not likely to affect RNA splicing. In summary, the available evidence is currently insufficient to determine the role of this variant in disease. Therefore, it has been classified as a Variant of Uncertain Significance.

Mendelics
Classification: Uncertain significance. Last evaluated: 2022-05-04. Review status: criteria provided, single submitter. Criteria: Mendelics Assertion Criteria 2019. Collection method: clinical testing. Allele origin: germline.

Literature cited by the submitters: PubMed 17576681 (cited by Labcorp Genetics (formerly Invitae), Labcorp); PubMed 9536098 (cited by Labcorp Genetics (formerly Invitae), Labcorp).